The following is an entry in ClinVar:

NM_021072.4(HCN1):c.2561G>A (p.Arg854Gln)

Gene: HCN1 (hyperpolarization activated cyclic nucleotide gated potassium channel 1; minus strand). Cytogenetic location: 5p12.
Variant type: single nucleotide variant.
Coding change: c.2561G>A on transcript NM_021072.4 (MANE Select); coding-DNA position 2561, G replaced by A.
Protein change: p.Arg854Gln; replaces arginine 854 with glutamine.
Molecular consequence: missense variant.
Genome position (GRCh38, 1-based): chr5:45,262,033, C>T on the plus strand (G>A on the coding strand, the complement: HCN1 is on the minus strand). VCF-style: chr5-45262033-C-T. GRCh37 (hg19) VCF-style: chr5-45262135-C-T.
Other names: short protein forms R854Q.
Identifiers: ClinVar variation 4803319 (VCV004803319.1).

ClinVar aggregate classification (germline): Uncertain significance (1 of 4 stars; one submission).

Conditions:
Early-infantile DEE. Also called: Early infantile epileptic encephalopathy; Early infantile epileptic encephalopathy with suppression bursts; Ohtahara syndrome. Identifiers: Orphanet 1934, MedGen C0393706, MONDO:0800491.

gnomAD v4.1: 8 of 1,613,760 alleles (0.0005%); highest among the groups gnomAD compares: East Asian, 0.0045%; no homozygotes.

Submission:

Labcorp Genetics (formerly Invitae), Labcorp
Classification: Uncertain significance for Early-infantile DEE. Last evaluated: 2025-08-09. Review status: criteria provided, single submitter. Criteria: Invitae Variant Classification Sherloc (09022015). Collection method: clinical testing. Allele origin: germline.
Comment: This sequence change replaces arginine, which is basic and polar, with glutamine, which is neutral and polar, at codon 854 of the HCN1 protein (p.Arg854Gln). This variant is present in population databases (no rsID available, gnomAD 0.005%). This variant has not been reported in the literature in individuals affected with HCN1-related conditions. Invitae Evidence Modeling of protein sequence and biophysical properties (such as structural, functional, and spatial information, amino acid conservation, physicochemical variation, residue mobility, and thermodynamic stability) indicates that this missense variant is not expected to disrupt HCN1 protein function with a negative predictive value of 95%. In summary, the available evidence is currently insufficient to determine the role of this variant in disease. Therefore, it has been classified as a Variant of Uncertain Significance.